The following is an entry in ClinVar:

NM_001004320.2(AGMO):c.1083del (p.Gln362fs)

Gene: AGMO (alkylglycerol monooxygenase; minus strand). Cytogenetic location: 7p21.2.
Variant type: Deletion.
Coding change: c.1083del on transcript NM_001004320.2 (MANE Select); coding-DNA position 1083, one base deleted (G; older notation c.1083delG).
Protein change: p.Gln362fs; shifts the reading frame from glutamine 362.
Molecular consequence: frameshift variant.
Genome position (GRCh38, 1-based): chr7:15,366,214, C deleted on the plus strand (G on the coding strand, the reverse complement: AGMO is on the minus strand). VCF-style (leftmost placement, unchanged base first): chr7-15366213-GC-G. GRCh37 (hg19) VCF-style: chr7-15405838-GC-G.
Other names: short protein forms Q362fs.
Identifiers: ClinVar variation 4883868 (VCV004883868.2).

ClinVar aggregate classification (germline): Uncertain significance (1 of 4 stars; one submission).

Submission:

Dasa
Classification: Uncertain significance. Last evaluated: 2025-12-31. Review status: criteria provided, single submitter. Criteria: DASA Assertion Criteria. Collection method: clinical testing. Allele origin: germline.
Comment: NM_001004320.2(AGMO):c.1083del (p.Gln362Lysfs*6) is a frameshift variant in AGMO predicted to alter the reading frame and introduce a premature termination codon. This variant is rare in population databases. The currently available literature and clinical evidence are not sufficient to establish a definitive association between this variant and the reported condition. Therefore, this variant is classified as a variant of uncertain significance.